The following is an entry in ClinVar:

ClinVar aggregate classification (germline): Likely pathogenic (1 of 4 stars; one submission).

Conditions:
Hereditary cancer-predisposing syndrome. Also called: Tumor predisposition; Hereditary neoplastic syndrome; Hereditary Cancer Syndrome; Neoplastic Syndromes, Hereditary. Identifiers: Orphanet 140162, MedGen C0027672, MeSH D009386, MONDO:0015356.

Submission:

Ambry Genetics
Classification: Likely pathogenic for Hereditary cancer-predisposing syndrome. Last evaluated: 2024-02-27. Review status: criteria provided, single submitter. Criteria: Ambry Variant Classification Scheme 2023. Collection method: clinical testing. Allele origin: germline.
Comment: The c.24_31delCAGATTAT variant, located in coding exon 1 of the BMPR1A gene, results from a deletion of 8 nucleotides at nucleotide positions 24 to 31, causing a translational frameshift with a predicted alternate stop codon (p.R9Gfs*17). The predicted stop codon occurs in the 5&rsquo; end of theBMPR1A gene. Premature termination codons in the 5&rsquo; end of a gene have been reported to escape nonsense-mediated mRNAdecay and/or lead to re-initiation (Rivas et al. Science. 2015 May 8;348(6235):666-9; Lindeboom et al. Nat Genet. 2016 Oct;48(10):1112-8; Rhee et al. Sci Rep. 2017 May 10;7(1):1653). Direct evidence for this alteration is unavailable, however premature termination codons are typically deleterious in nature. This variant has been observed in at least one individual with a personal and/or family history that is consistent with BMPR1A-related juvenile polyposis syndrome (Ambry internal data). This variant is considered to be rare based on population cohorts in the Genome Aggregation Database (gnomAD). Based on the majority of available evidence to date, this variant is likely to be pathogenic.

NM_004329.3(BMPR1A):c.24_31del (p.Arg9fs)

Gene: BMPR1A (bone morphogenetic protein receptor type 1A; plus strand). Cytogenetic location: 10q23.2.
Variant type: Deletion.
Coding change: c.24_31del on transcript NM_004329.3 (MANE Select); coding-DNA positions 24 to 31, 8 bases deleted (CAGATTAT; older notation c.24_31delCAGATTAT).
Protein change: p.Arg9fs; shifts the reading frame from arginine 9.
Molecular consequence: frameshift variant. On other transcripts: 5 prime UTR variant (1), non-coding transcript variant (3), intron variant (4).
Genome position (GRCh38, 1-based): chr10:86,876,042-86,876,049, CAGATTAT deleted; deleting any 8 consecutive bases within chr10:86,876,040-86,876,049 gives the same sequence; the c. name uses the placement nearest the transcript's 3' end. VCF-style (leftmost placement, unchanged base first): chr10-86876039-CATCAGATT-C. GRCh37 (hg19) VCF-style: chr10-88635796-CATCAGATT-C.
Other names: c.24_31del, p.Arg9fs (NM_001406559.1, NM_001406560.1, NM_001406561.1 and 23 more transcripts); c.-56_-49del (NM_001406588.1); c.-17-14020_-17-14013del (NM_001406584.1, NM_001406587.1, NM_001406585.1); c.-12-14025_-12-14018del (NM_001406586.1); short protein forms R9fs.
Identifiers: ClinVar variation 3223950 (VCV003223950.1), dbSNP rs2539350478, ClinGen allele CA2825001730.